The following is an entry in ClinVar:

ClinVar aggregate classification (germline): Uncertain significance. Review status: criteria provided, multiple submitters, no conflicts (2 of 4 stars). 2 submissions from 2 submitters: Uncertain significance (2). Last evaluated 2020-01-30.

Conditions:
Familial melanoma. Also called: Hereditary melanoma; Hereditary cutaneous melanoma. Identifiers: Orphanet 618, MedGen C1512419, MONDO:0018961.
Hereditary cancer-predisposing syndrome. Also called: Hereditary neoplastic syndrome; Tumor predisposition; Neoplastic Syndromes, Hereditary; Hereditary Cancer Syndrome. Identifiers: Orphanet 140162, MedGen C0027672, MeSH D009386, MONDO:0015356.

Submissions (2):

Labcorp Genetics (formerly Invitae), Labcorp
Classification: Uncertain significance for Familial melanoma. Last evaluated: 2020-01-30. Review status: criteria provided, single submitter. Criteria: Invitae Variant Classification Sherloc (09022015). Collection method: clinical testing. Allele origin: germline.
Comment: In summary, the available evidence is currently insufficient to determine the role of this variant in disease. Therefore, it has been classified as a Variant of Uncertain Significance. Algorithms developed to predict the effect of missense changes on protein structure and function output the following: SIFT: "Tolerated"; PolyPhen-2: "Benign"; Align-GVGD: "Class C0". The glycine amino acid residue is found in multiple mammalian species, suggesting that this missense change does not adversely affect protein function. These predictions have not been confirmed by published functional studies and their clinical significance is uncertain. This variant has not been reported in the literature in individuals with CDKN2A (p16INK4a)-related disease. ClinVar contains an entry for this variant (Variation ID: 532270). This variant is not present in population databases (ExAC no frequency). This sequence change replaces arginine with glycine at codon 144 of the CDKN2A (p16INK4a) protein (p.Arg144Gly). The arginine residue is weakly conserved and there is a moderate physicochemical difference between arginine and glycine.

Color Diagnostics, LLC DBA Color Health
Classification: Uncertain significance for Hereditary cancer-predisposing syndrome. Last evaluated: 2018-07-26. Review status: criteria provided, single submitter. Criteria: ACMG Guidelines, 2015. Collection method: clinical testing. Allele origin: germline.

NM_000077.5(CDKN2A):c.430C>G (p.Arg144Gly)

Gene: CDKN2A (cyclin dependent kinase inhibitor 2A; minus strand). Cytogenetic location: 9p21.3.
Variant type: single nucleotide variant.
Coding change: c.430C>G on transcript NM_000077.5; coding-DNA position 430, C replaced by G.
Protein change: p.Arg144Gly; replaces arginine 144 with glycine.
Molecular consequence: missense variant (on NM_000077.6). On other transcripts: 3 prime UTR variant (2).
Genome position (GRCh38, 1-based): chr9:21,970,929, G>C on the plus strand (C>G on the coding strand, the complement: CDKN2A is on the minus strand). VCF-style: chr9-21970929-G-C. GRCh37 (hg19) VCF-style: chr9-21970928-G-C.
Other names: c.430C>G, p.Arg144Gly (NM_000077.6, NM_001195132.2); c.277C>G, p.Arg93Gly (NM_001363763.2); c.*74C>G (NM_058195.4); c.*353C>G (NM_058197.5); short protein forms R144G, R93G.
Identifiers: ClinVar variation 532270 (VCV000532270.13), dbSNP rs116150891, ClinGen allele CA373085856.